The following is an entry in ClinVar:

NM_201384.3(PLEC):c.1255_1260del (p.Leu419_Gln420del)

Genes: PLEC (plectin; minus strand), LOC130001334 (ATAC-STARR-seq lymphoblastoid silent region 19628; plus strand). Cytogenetic location: 8q24.3.
Variant type: Deletion.
Coding change: c.1255_1260del on transcript NM_201384.3 (MANE Select); coding-DNA positions 1255 to 1260, 6 bases deleted (CTGCAG; older notation c.1255_1260delCTGCAG).
Protein change: p.Leu419_Gln420del.
Molecular consequence: inframe deletion.
Genome position (GRCh38, 1-based): chr8:143,934,001-143,934,006, CTGCAG deleted on the plus strand (CTGCAG on the coding strand, the reverse complement: PLEC is on the minus strand); deleting any 6 consecutive bases within chr8:143,934,001-143,934,007 gives the same sequence; the c. name uses the placement nearest the transcript's 3' end. VCF-style (leftmost placement, unchanged base first): chr8-143934000-ACTGCAG-A. GRCh37 (hg19) VCF-style: chr8-145008168-ACTGCAG-A.
Other names: c.1336_1341del, p.Leu446_Gln447del (NM_000445.5, NM_001410941.1); c.1213_1218del, p.Leu405_Gln406del (NM_201378.4); c.1189_1194del, p.Leu397_Gln398del (NM_201379.3); c.1666_1671del, p.Leu556_Gln557del (NM_201380.4); c.1159_1164del, p.Leu387_Gln388del (NM_201381.3); c.1255_1260del, p.Leu419_Gln420del (NM_201382.4); c.1267_1272del, p.Leu423_Gln424del (NM_201383.3).
Identifiers: ClinVar variation 3761529 (VCV003761529.2).

ClinVar aggregate classification (germline): Uncertain significance (1 of 4 stars; one submission).

Conditions:
Epidermolysis bullosa simplex with nail dystrophy (EBS5D). Identifiers: MedGen C4225309, MONDO:0014661, OMIM 616487.
Epidermolysis bullosa simplex, Ogna type (EBS5A). Also called: EPIDERMOLYSIS BULLOSA SIMPLEX 5A, OGNA TYPE; Pidermolysis bullosa simplex 5A, Ogna type. Identifiers: Orphanet 79401, MedGen C0432317, MONDO:0007555, OMIM 131950.
Autosomal recessive limb-girdle muscular dystrophy type 2Q (LGMDR17). Also called: MUSCULAR DYSTROPHY, LIMB-GIRDLE, AUTOSOMAL RECESSIVE 17. Identifiers: Orphanet 254361, MedGen C3150989, MONDO:0013390, OMIM 613723.
Epidermolysis bullosa simplex 5B, with muscular dystrophy (EBS5B). Also called: EPIDERMOLYSIS BULLOSA SIMPLEX AND LIMB-GIRDLE MUSCULAR DYSTROPHY; Epidermolysis bullosa simplex with muscular dystrophy. Identifiers: Orphanet 257, MedGen C2931072, MONDO:0009181, OMIM 226670.
Epidermolysis bullosa simplex 5C, with pyloric atresia (EBS5C). Also called: PLEC1-Related Epidermolysis Bullosa with Pyloric Atresia; PLEC-Related Epidermolysis Bullosa with Pyloric Atresia; Epidermolysis bullosa simplex with pyloric atresia. Identifiers: Orphanet 158684, MedGen C2677349, MONDO:0012807, OMIM 612138.

Submission:

Labcorp Genetics (formerly Invitae), Labcorp
Classification: Uncertain significance for Autosomal recessive limb-girdle muscular dystrophy type 2Q; Epidermolysis bullosa simplex, Ogna type; Epidermolysis bullosa simplex with nail dystrophy; Epidermolysis bullosa simplex 5C, with pyloric atresia; Epidermolysis bullosa simplex 5B, with muscular dystrophy. Last evaluated: 2024-12-20. Review status: criteria provided, single submitter. Criteria: Invitae Variant Classification Sherloc (09022015). Collection method: clinical testing. Allele origin: germline.
Comment: This variant, c.1336_1341del, results in the deletion of 2 amino acid(s) of the PLEC protein (p.Leu446_Gln447del), but otherwise preserves the integrity of the reading frame. This variant is not present in population databases (gnomAD no frequency). This variant has not been reported in the literature in individuals affected with PLEC-related conditions. Experimental studies and prediction algorithms are not available or were not evaluated, and the functional significance of this variant is currently unknown. In summary, the available evidence is currently insufficient to determine the role of this variant in disease. Therefore, it has been classified as a Variant of Uncertain Significance.